The following is an entry in ClinVar:

NM_015450.3(POT1):c.114C>G (p.Ser38Arg)

Gene: POT1 (protection of telomeres 1; minus strand). Cytogenetic location: 7q31.33.
Variant type: single nucleotide variant.
Coding change: c.114C>G on transcript NM_015450.3 (MANE Select); coding-DNA position 114, C replaced by G.
Protein change: p.Ser38Arg; replaces serine 38 with arginine.
Molecular consequence: missense variant. On other transcripts: 5 prime UTR variant (1), non-coding transcript variant (3).
Genome position (GRCh38, 1-based): chr7:124,892,276, G>C on the plus strand (C>G on the coding strand, the complement: POT1 is on the minus strand). VCF-style: chr7-124892276-G-C. GRCh37 (hg19) VCF-style: chr7-124532330-G-C.
Other names: c.-149C>G (NM_001042594.2); short protein forms S38R.
Identifiers: ClinVar variation 475023 (VCV000475023.16), dbSNP rs1554434730, ClinGen allele CA369065971.
Genomic context (GRCh38, chr7:124,892,276, plus strand): 5'-ATCAATAATGCATTTCCACTCCAAAAAACTCCACCAGTTTTAATACCTACCAGTTCCTTT[G>C]CTTAGATATGGGGGCTTAAAGAACTTCACAACACCATAGACATTGACAATTGTACCACCC-3'
Protein context (NP_056265.2, residues 28-48): VVKFFKPPYL[Ser38Arg]KGTDYCSVVT

ClinVar aggregate classification (germline): Uncertain significance. Review status: criteria provided, multiple submitters, no conflicts (2 of 4 stars). 2 submissions from 2 submitters: Uncertain significance (2). Last evaluated 2024-12-10.

Conditions:
Tumor predisposition syndrome 3 (TPDS3). Also called: Glioma susceptibility 9; LONG TELOMERE SYNDROME, POT1-RELATED; POT1 Tumor Predisposition; Melanoma, cutaneous malignant, susceptibility to, 10. Identifiers: Orphanet 618, MedGen C4014476, MONDO:0014368, OMIM 615848.
Hereditary cancer-predisposing syndrome. Also called: Hereditary neoplastic syndrome; Hereditary Cancer Syndrome; Neoplastic Syndromes, Hereditary; Tumor predisposition. Identifiers: Orphanet 140162, MedGen C0027672, MeSH D009386, MONDO:0015356.

Submissions (2):

Labcorp Genetics (formerly Invitae), Labcorp
Classification: Uncertain significance for Tumor predisposition syndrome 3. Last evaluated: 2024-12-10. Review status: criteria provided, single submitter. Criteria: Invitae Variant Classification Sherloc (09022015). Collection method: clinical testing. Allele origin: germline.
Comment: This sequence change replaces serine, which is neutral and polar, with arginine, which is basic and polar, at codon 38 of the POT1 protein (p.Ser38Arg). This variant is not present in population databases (gnomAD no frequency). This variant has not been reported in the literature in individuals affected with POT1-related conditions. ClinVar contains an entry for this variant (Variation ID: 475023). Invitae Evidence Modeling of protein sequence and biophysical properties (such as structural, functional, and spatial information, amino acid conservation, physicochemical variation, residue mobility, and thermodynamic stability) indicates that this missense variant is not expected to disrupt POT1 protein function with a negative predictive value of 80%. In summary, the available evidence is currently insufficient to determine the role of this variant in disease. Therefore, it has been classified as a Variant of Uncertain Significance.

Ambry Genetics
Classification: Uncertain significance for Hereditary cancer-predisposing syndrome. Last evaluated: 2019-01-30. Review status: criteria provided, single submitter. Criteria: Ambry Variant Classification Scheme 2023. Collection method: clinical testing. Allele origin: germline.
Comment: The p.S38R variant (also known as c.114C>G), located in coding exon 2 of the POT1 gene, results from a C to G substitution at nucleotide position 114. The serine at codon 38 is replaced by arginine, an amino acid with dissimilar properties. This amino acid position is highly conserved in available vertebrate species. In addition, this alteration is predicted to be deleterious by in silico analysis. Since supporting evidence is limited at this time, the clinical significance of this alteration remains unclear.

Literature cited by the submitters: PubMed 27528712 (cited by Ambry Genetics).